The following is an entry in ClinVar:

ClinVar aggregate classification (germline): Uncertain significance (1 of 4 stars; one submission).

Conditions:
MHC class I deficiency. Identifiers: Orphanet 34592, MedGen C6024714, MONDO:0011476.

Submission:

Labcorp Genetics (formerly Invitae), Labcorp
Classification: Uncertain significance for MHC class I deficiency 1. Last evaluated: 2024-10-28. Review status: criteria provided, single submitter. Criteria: Invitae Variant Classification Sherloc (09022015). Collection method: clinical testing. Allele origin: germline.
Comment: This sequence change replaces methionine, which is neutral and non-polar, with valine, which is neutral and non-polar, at codon 391 of the TAP2 protein (p.Met391Val). This variant is not present in population databases (gnomAD no frequency). This variant has not been reported in the literature in individuals affected with TAP2-related conditions. ClinVar contains an entry for this variant (Variation ID: 1475666). An algorithm developed to predict the effect of missense changes on protein structure and function outputs the following: PolyPhen-2: "Not Available". The valine amino acid residue is found in multiple mammalian species, which suggests that this missense change does not adversely affect protein function. In summary, the available evidence is currently insufficient to determine the role of this variant in disease. Therefore, it has been classified as a Variant of Uncertain Significance.

NM_001290043.2(TAP2):c.1171A>G (p.Met391Val)

Gene: TAP2 (transporter 2, ATP binding cassette subfamily B member; minus strand). Cytogenetic location: 6p21.32.
Variant type: single nucleotide variant.
Coding change: c.1171A>G on transcript NM_001290043.2 (MANE Select); coding-DNA position 1171, A replaced by G.
Protein change: p.Met391Val; replaces methionine 391 with valine.
Molecular consequence: missense variant.
Genome position (GRCh38, 1-based): chr6:32,832,434, T>C on the plus strand (A>G on the coding strand, the complement: TAP2 is on the minus strand). VCF-style: chr6-32832434-T-C. GRCh37 (hg19) VCF-style: chr6-32800211-T-C.
Other names: c.1171A>G, p.Met391Val (NM_000544.3, NM_018833.3); short protein forms M391V.
Identifiers: ClinVar variation 1475666 (VCV001475666.8), dbSNP rs140330266, ClinGen allele CA363582925.